The following is an entry in ClinVar:

ClinVar aggregate classification (germline): Uncertain significance (1 of 4 stars; one submission).

Allele frequency attached by ClinVar (database versions not stated): gnomAD exomes below 0.00001.
gnomAD v4.1: 2 of 1,613,100 alleles (0.00012%); highest among the groups gnomAD compares: Non-Finnish European, 0.00017%; no homozygotes.

Submission:

Labcorp Genetics (formerly Invitae), Labcorp
Classification: Uncertain significance. Last evaluated: 2021-09-01. Review status: criteria provided, single submitter. Criteria: Invitae Variant Classification Sherloc (09022015). Collection method: clinical testing. Allele origin: germline.
Comment: This sequence change replaces phenylalanine with leucine at codon 14 of the EYS protein (p.Phe14Leu). The phenylalanine residue is weakly conserved and there is a small physicochemical difference between phenylalanine and leucine. This variant is not present in population databases (ExAC no frequency). This variant has not been reported in the literature in individuals affected with EYS-related conditions. Algorithms developed to predict the effect of missense changes on protein structure and function output the following: SIFT: "Tolerated"; PolyPhen-2: "Benign"; Align-GVGD: "Class C0". The leucine amino acid residue is found in multiple mammalian species, which suggests that this missense change does not adversely affect protein function. In summary, the available evidence is currently insufficient to determine the role of this variant in disease. Therefore, it has been classified as a Variant of Uncertain Significance.

NM_001142800.2(EYS):c.40T>C (p.Phe14Leu)

Gene: EYS (eyes shut homolog; minus strand). Cytogenetic location: 6q12.
Variant type: single nucleotide variant.
Coding change: c.40T>C on transcript NM_001142800.2 (MANE Select); coding-DNA position 40, T replaced by C.
Protein change: p.Phe14Leu; replaces phenylalanine 14 with leucine.
Molecular consequence: missense variant.
Genome position (GRCh38, 1-based): chr6:65,495,371, A>G on the plus strand (T>C on the coding strand, the complement: EYS is on the minus strand). VCF-style: chr6-65495371-A-G. GRCh37 (hg19) VCF-style: chr6-66205264-A-G.
Other names: c.40T>C, p.Phe14Leu (NM_001142801.2, NM_001292009.2, NM_198283.2); short protein forms F14L.
Identifiers: ClinVar variation 1018096 (VCV001018096.6), dbSNP rs1766219715, ClinGen allele CA364790787.